The following is an entry in ClinVar:

ClinVar aggregate classification (germline): Uncertain significance (1 of 4 stars; one submission).

Conditions:
Gastrointestinal stromal tumor. Also called: Gastrointestinal stromal tumor, somatic; Gastrointestinal stroma tumor. Identifiers: Orphanet 44890, MedGen C0238198, MeSH D046152, MONDO:0011719, OMIM 606764, HP:0100723.

Submission:

Labcorp Genetics (formerly Invitae), Labcorp
Classification: Uncertain significance for Gastrointestinal stromal tumor. Last evaluated: 2022-11-26. Review status: criteria provided, single submitter. Criteria: Invitae Variant Classification Sherloc (09022015). Collection method: clinical testing. Allele origin: germline.
Comment: This sequence change replaces alanine, which is neutral and non-polar, with valine, which is neutral and non-polar, at codon 621 of the KIT protein (p.Ala621Val). This variant is not present in population databases (gnomAD no frequency). This variant has not been reported in the literature in individuals affected with KIT-related conditions. Algorithms developed to predict the effect of missense changes on protein structure and function (SIFT, PolyPhen-2, Align-GVGD) all suggest that this variant is likely to be disruptive. This variant disrupts the p.Ala621 amino acid residue in KIT. Other variant(s) that disrupt this residue have been determined to be pathogenic (PMID: 7529964, 29896733; Invitae). This suggests that this residue is clinically significant, and that variants that disrupt this residue are likely to be disease-causing. In summary, the available evidence is currently insufficient to determine the role of this variant in disease. Therefore, it has been classified as a Variant of Uncertain Significance.

Literature cited by the submitters: PubMed 7529964; PubMed 29896733.

NM_000222.3(KIT):c.1862C>T (p.Ala621Val)

Gene: KIT (KIT proto-oncogene, receptor tyrosine kinase; plus strand). Cytogenetic location: 4q12.
Variant type: single nucleotide variant.
Coding change: c.1862C>T on transcript NM_000222.3 (MANE Select); coding-DNA position 1862, C replaced by T.
Protein change: p.Ala621Val; replaces alanine 621 with valine.
Molecular consequence: missense variant.
Genome position (GRCh38, 1-based): chr4:54,727,910, C>T. VCF-style: chr4-54727910-C-T. GRCh37 (hg19) VCF-style: chr4-55594076-C-T.
Other names: c.1850C>T, p.Ala617Val (NM_001093772.2, NM_001385286.1); c.1865C>T, p.Ala622Val (NM_001385284.1, NM_001385290.1); c.1862C>T, p.Ala621Val (NM_001385285.1); c.1853C>T, p.Ala618Val (NM_001385288.1, NM_001385292.1); short protein forms A617V, A622V, A618V, A621V.
Identifiers: ClinVar variation 2816920 (VCV002816920.3), dbSNP rs2109780166, ClinGen allele CA356908209.
Genomic context (GRCh38, chr4:54,727,910, plus strand): 5'-GGAAGGTTGTTGAGGCAACTGCTTATGGCTTAATTAAGTCAGATGCGGCCATGACTGTCG[C>T]TGTAAAGATGCTCAAGCGTAAGTTCCTGTATGGTACTGCATGCGCTTGACATCAGTTTGC-3'
Protein context (NP_000213.1, residues 611-631): LIKSDAAMTV[Ala621Val]VKMLKPSAHL